The following is an entry in ClinVar:

ClinVar aggregate classification (germline): Uncertain significance. Review status: criteria provided, multiple submitters, no conflicts (2 of 4 stars). 2 submissions from 2 submitters: Uncertain significance (2). Last evaluated 2025-08-27.

Conditions:
Inborn genetic diseases. Identifiers: MedGen C0950123, MeSH D030342.
Jeune thoracic dystrophy. Also called: Jeune syndrome; Infantile thoracic dystrophy; Thoracic pelvic phalangeal dystrophy; Jeune's syndrome; Chondroectodermal dysplasia-like syndrome; Short-rib thoracic dysplasia. Identifiers: Orphanet 474, MedGen C0265275, MONDO:0018770.

Allele frequency attached by ClinVar (database versions not stated): gnomAD exomes below 0.00001; TOPMed below 0.00001; gnomAD 0.00001; ExAC 0.00004; 1000 Genomes Project 30x 0.00016; 1000 Genomes Project 0.00020.
gnomAD v4.1: 4 of 1,564,212 alleles (0.00026%); highest among the groups gnomAD compares: East Asian, 0.0024%; no homozygotes.

Submissions (2):

Ambry Genetics
Classification: Uncertain significance for Inborn genetic diseases. Last evaluated: 2025-08-27. Review status: criteria provided, single submitter. Criteria: Ambry Variant Classification Scheme 2023. Collection method: clinical testing. Allele origin: germline.

Labcorp Genetics (formerly Invitae), Labcorp
Classification: Uncertain significance for Jeune thoracic dystrophy. Last evaluated: 2022-08-19. Review status: criteria provided, single submitter. Criteria: Invitae Variant Classification Sherloc (09022015). Collection method: clinical testing. Allele origin: germline.
Comment: This sequence change replaces lysine, which is basic and polar, with arginine, which is basic and polar, at codon 980 of the DYNC2H1 protein (p.Lys980Arg). This variant is not present in population databases (gnomAD no frequency). This variant has not been reported in the literature in individuals affected with DYNC2H1-related conditions. Advanced modeling of protein sequence and biophysical properties (such as structural, functional, and spatial information, amino acid conservation, physicochemical variation, residue mobility, and thermodynamic stability) performed at Invitae indicates that this missense variant is not expected to disrupt DYNC2H1 protein function. In summary, the available evidence is currently insufficient to determine the role of this variant in disease. Therefore, it has been classified as a Variant of Uncertain Significance.

NM_001377.3(DYNC2H1):c.2939A>G (p.Lys980Arg)

Gene: DYNC2H1 (dynein cytoplasmic 2 heavy chain 1; plus strand). Cytogenetic location: 11q22.3.
Variant type: single nucleotide variant.
Coding change: c.2939A>G on transcript NM_001377.3 (MANE Select); coding-DNA position 2939, A replaced by G.
Protein change: p.Lys980Arg; replaces lysine 980 with arginine.
Molecular consequence: missense variant.
Genome position (GRCh38, 1-based): chr11:103,148,610, A>G. VCF-style: chr11-103148610-A-G. GRCh37 (hg19) VCF-style: chr11-103019339-A-G.
Other names: c.2939A>G, p.Lys980Arg (NM_001080463.2); c.2939A>G (NM_001080463.1); short protein forms K980R.
Identifiers: ClinVar variation 1716956 (VCV001716956.4), dbSNP rs144066746, ClinGen allele CA6253197.